The following is an entry in ClinVar:

ClinVar aggregate classification (germline): Uncertain significance (1 of 4 stars; one submission).

Submission:

GeneDx
Classification: Uncertain significance. Last evaluated: 2024-03-20. Review status: criteria provided, single submitter. Criteria: GeneDx Variant Classification Process June 2021. Collection method: clinical testing. Allele origin: germline. Affected: yes.
Comment: Not observed at significant frequency in large population cohorts (gnomAD); In silico analysis supports that this missense variant does not alter protein structure/function; Has not been previously published as pathogenic or benign to our knowledge

NM_001367943.1(TCF7L2):c.1018A>G (p.Lys340Glu)

Gene: TCF7L2 (transcription factor 7 like 2; plus strand). Cytogenetic location: 10q25.3.
Variant type: single nucleotide variant.
Coding change: c.1018A>G on transcript NM_001367943.1 (MANE Select); coding-DNA position 1018, A replaced by G.
Protein change: p.Lys340Glu; replaces lysine 340 with glutamic acid.
Molecular consequence: missense variant.
Genome position (GRCh38, 1-based): chr10:113,151,741, A>G. VCF-style: chr10-113151741-A-G. GRCh37 (hg19) VCF-style: chr10-114911500-A-G.
Other names: c.1018A>G, p.Lys340Glu (NM_001146274.2, NM_001198531.2, NM_001363501.2); c.1090A>G, p.Lys364Glu (NM_001146283.2); c.937A>G, p.Lys313Glu (NM_001146284.2, NM_001198527.2); c.949A>G, p.Lys317Glu (NM_001146285.2, NM_001146286.2, NM_001198526.2 and 3 more transcripts); c.964A>G, p.Lys322Glu (NM_001198525.2); c.847A>G, p.Lys283Glu (NM_001198530.2); c.589A>G, p.Lys197Glu (NM_001349870.2); c.469A>G, p.Lys157Glu (NM_001349871.1); short protein forms K157E, K197E, K283E, K313E, K317E, K322E, K340E, K364E.
Identifiers: ClinVar variation 3371118 (VCV003371118.1).
Genomic context (GRCh38, chr10:113,151,741, plus strand): 5'-CACGACCTTGTTTATTGGGTTGCGTCTGTTTTGTCTATCTCCAGAAAGCATCAGGACTCC[A>G]AAAAGGAAGAAGAAAAGAAGAAGCCCCACATAAAGAAACCTCTTAATGCATTCATGTTGT-3'
Protein context (NP_001354872.1, residues 330-350): SLHSSKHQDS[Lys340Glu]KEEEKKKPHI